The following is an entry in ClinVar:

ClinVar aggregate classification (germline): Uncertain significance (1 of 4 stars; one submission).

Submission:

CeGaT Center for Human Genetics Tuebingen
Classification: Uncertain significance. Last evaluated: 2023-12-01. Review status: criteria provided, single submitter. Criteria: CeGaT Center For Human Genetics Tuebingen Variant Classification Criteria Version 2. Collection method: clinical testing. Allele origin: germline. Affected: yes. Observed: 1 variant allele.
Comment: TTN: PM2

NM_001267550.2(TTN):c.10811C>G (p.Ser3604Ter)

Gene: TTN (titin; minus strand). Cytogenetic location: 2q31.2.
Variant type: single nucleotide variant.
Coding change: c.10811C>G on transcript NM_001267550.2 (MANE Select); coding-DNA position 10811, C replaced by G.
Protein change: p.Ser3604Ter; replaces serine 3604 with a stop codon.
Molecular consequence: nonsense. On other transcripts: intron variant (5).
Genome position (GRCh38, 1-based): chr2:178,756,665, G>C on the plus strand (C>G on the coding strand, the complement: TTN is on the minus strand). VCF-style: chr2-178756665-G-C. GRCh37 (hg19) VCF-style: chr2-179621392-G-C.
Other names: c.10298C>G, p.Ser3433Ter (NM_133437.4); c.10165+2319C>G (NM_003319.4); c.10540+877C>G (NM_133432.3); c.10303+2319C>G (NM_133378.4, NM_001256850.1, NM_133379.5); short protein forms S3433*, S3604*.
Identifiers: ClinVar variation 3026701 (VCV003026701.22), dbSNP rs2531740529, ClinGen allele CA349670272.